The following is an entry in ClinVar:

NM_000419.5(ITGA2B):c.3061-4C>T

Gene: ITGA2B (integrin subunit alpha 2b; minus strand). Cytogenetic location: 17q21.31.
Variant type: single nucleotide variant.
Coding change: c.3061-4C>T on transcript NM_000419.5 (MANE Select); 4 bases into the intron before coding-DNA position 3061, C replaced by T.
Molecular consequence: intron variant.
Genome position (GRCh38, 1-based): chr17:44,372,427, G>A on the plus strand (C>T on the coding strand, the complement: ITGA2B is on the minus strand). VCF-style: chr17-44372427-G-A. GRCh37 (hg19) VCF-style: chr17-42449795-G-A.
Identifiers: ClinVar variation 892239 (VCV000892239.8), dbSNP rs530669664, ClinGen allele CA8602464.
Genomic context (GRCh38, chr17:44,372,427, plus strand): 5'-CTCCCCCTCTTCATCATCTTCTTCCAGGGGTGGCCGGTTCCGCTTGAAGAAGCCGACCTG[G>A]GGGTACACGGGGGCCAAGGTCAGGGTATACAGATGATTTGCTGGCCCCAGAGCACATGTG-3'

ClinVar aggregate classification (germline): Likely benign. Review status: reviewed by expert panel (3 of 4 stars). 3 submissions from 3 submitters: Likely benign (1). 2 of the submissions do not count toward it. Last evaluated 2024-12-17.

Conditions:
Glanzmann thrombasthenia. Also called: BLEEDING DISORDER, PLATELET-TYPE, 2; THROMBASTHENIA OF GLANZMANN AND NAEGELI; PLATELET GLYCOPROTEIN IIb-IIIa DEFICIENCY; Thrombasthenia; Glanzmann's thrombasthenia. Identifiers: Orphanet 849, MedGen C0040015, MONDO:0100326.

Allele frequency attached by ClinVar (database versions not stated): TOPMed below 0.00001; gnomAD 0.00001; gnomAD exomes 0.00002; ExAC 0.00005; 1000 Genomes Project 30x 0.00016; 1000 Genomes Project 0.00020.
gnomAD v4.1: 4 of 1,613,884 alleles (0.00025%); highest among the groups gnomAD compares: East Asian, 0.0067%; no homozygotes.

Submissions (3):

ClinGen Platelet Disorders Variant Curation Expert Panel, ClinGen
Classification: Likely benign for Glanzmann thrombasthenia. Last evaluated: 2024-12-17. Review status: reviewed by expert panel. Criteria: ClinGen Platelet ACMG Specifications v2-1. Collection method: curation. Allele origin: germline. Inheritance: Autosomal recessive inheritance.
Comment: The c.3061-4C>T variant in ITGA2B is an intronic variant located in intron 29. The variant is not predicted by SpliceAI to impact splicing. In addition, it occurs at a nucleotide that is not highly conserved as shown by phyloP score of 1.44101 (BP4, BP7). The highest population minor allele frequency in gnomAD v4.1.0 is 0.00006687 (3/44864 alleles) in the East Asian population, which is lower than the ClinGen PD VCEP threshold (<0.0001; PM2_Supporting). This variant was observed by Illumina as part of a predisposition screen in an ostensibly healthy population, however, no cases of the variant segregating in GT patients were found in the literature. Due to conflicting evidence, this variant is classified as likely benign for autosomal recessive Glanzmann thrombasthenia based on the ACMG/AMP criteria applied, as specified by the ClinGen PD-VCEP: BP4, BP7 and PM2_Supporting (VCEP specifications version 2.1.0).

Labcorp Genetics (formerly Invitae), Labcorp
Classification: Likely benign for Glanzmann thrombasthenia. Last evaluated: 2023-03-01. Review status: criteria provided, single submitter. Criteria: Invitae Variant Classification Sherloc (09022015). Collection method: clinical testing. Allele origin: germline. Not counted in ClinVar's aggregate classification.

Illumina Laboratory Services, Illumina
Classification: Uncertain significance for Glanzmann thrombasthenia 1. Last evaluated: 2018-01-12. Review status: criteria provided, single submitter. Criteria: ICSL Variant Classification Criteria 13 December 2019. Collection method: clinical testing. Allele origin: germline. Not counted in ClinVar's aggregate classification.